The following is an entry in ClinVar:

ClinVar aggregate classification (germline): Uncertain significance (1 of 4 stars; one submission).

gnomAD v4.1: 1 of 1,600,502 alleles (0.000062%); highest among the groups gnomAD compares: Admixed American, 0.0018%; no homozygotes.

Submission:

GeneDx
Classification: Uncertain significance. Last evaluated: 2025-05-14. Review status: criteria provided, single submitter. Criteria: GeneDx Variant Classification Process June 2021. Collection method: clinical testing. Allele origin: germline. Affected: yes.
Comment: Not observed at significant frequency in large population cohorts (gnomAD); In silico analysis suggests that this missense variant does not alter protein structure/function; Has not been previously published as pathogenic or benign to our knowledge

NM_001376571.1(MADD):c.2675T>C (p.Met892Thr)

Gene: MADD (MAP kinase activating death domain; plus strand). Cytogenetic location: 11p11.2.
Variant type: single nucleotide variant.
Coding change: c.2675T>C on transcript NM_001376571.1 (MANE Select); coding-DNA position 2675, T replaced by C.
Protein change: p.Met892Thr; replaces methionine 892 with threonine.
Molecular consequence: missense variant. On other transcripts: non-coding transcript variant (3), intron variant (55).
Genome position (GRCh38, 1-based): chr11:47,288,989, T>C. VCF-style: chr11-47288989-T-C. GRCh37 (hg19) VCF-style: chr11-47310540-T-C.
Other names: c.2342T>C, p.Met781Thr (NM_001376635.1, NM_001376646.1, NM_001376654.1 and 2 more transcripts); c.2546T>C, p.Met849Thr (NM_001376636.1, NM_001376637.1, NM_001376638.1 and 15 more transcripts); c.2471T>C, p.Met824Thr (NM_001376648.1, NM_001376626.1); c.2675T>C, p.Met892Thr (NM_001376572.1, NM_001376573.1, NM_001376574.1 and 11 more transcripts); c.2522T>C, p.Met841Thr (NM_001376602.1); c.2519T>C, p.Met840Thr (NM_001376632.1); c.2525-402T>C (NM_001376651.1, NM_001376641.1, NM_001376595.1 and 20 more transcripts); c.2654-402T>C (NM_130470.3, NM_001376576.1, NM_001376596.1 and 13 more transcripts); and 8 more; short protein forms M781T, M824T, M840T, M841T, M849T, M892T.
Identifiers: ClinVar variation 4529835 (VCV004529835.1).